The following is an entry in ClinVar:

ClinVar aggregate classification (germline): Conflicting classifications of pathogenicity. Review status: criteria provided, conflicting classifications (1 of 4 stars). 8 submissions from 7 submitters: Uncertain significance (6); Benign (1); Likely benign (1). Last evaluated 2026-02-02.

Conditions:
Cardiovascular phenotype. Identifiers: MedGen CN230736.
Hereditary cancer-predisposing syndrome. Also called: Hereditary Cancer Syndrome; Tumor predisposition; Neoplastic Syndromes, Hereditary; Hereditary neoplastic syndrome. Identifiers: Orphanet 140162, MedGen C0027672, MeSH D009386, MONDO:0015356.
Neurofibromatosis, type 1 (NF1). Also called: VON RECKLINGHAUSEN DISEASE; Neurofibromatosis, type I; NEUROFIBROMATOSIS, TYPE I, SOMATIC; Peripheral type neurofibromatosis. Identifiers: Orphanet 636, MedGen C0027831, MONDO:0018975, OMIM 162200. Disease mechanism: loss of function.
Juvenile myelomonocytic leukemia (JMML). Also called: LEUKEMIA, JUVENILE MYELOMONOCYTIC, SOMATIC. Identifiers: Orphanet 86834, MedGen C0349639, MONDO:0011908, OMIM 607785, HP:0012209.

Allele frequency attached by ClinVar (database versions not stated): gnomAD exomes 0.00001; TOPMed 0.00001.
gnomAD v4.1: 11 of 1,614,038 alleles (0.00068%); highest among the groups gnomAD compares: Non-Finnish European, 0.00093%; no homozygotes.

Submissions (8):

Labcorp Genetics (formerly Invitae), Labcorp
Classification: Benign for Neurofibromatosis, type 1. Last evaluated: 2026-02-02. Review status: criteria provided, single submitter. Criteria: Invitae Variant Classification Sherloc (09022015). Collection method: clinical testing. Allele origin: germline.

Quest Diagnostics Nichols Institute San Juan Capistrano
Classification: Uncertain significance. Last evaluated: 2025-01-31. Review status: criteria provided, single submitter. Criteria: Quest Diagnostics criteria. Collection method: clinical testing. Allele origin: unknown.

Baylor Genetics
Classification: Uncertain significance for Juvenile myelomonocytic leukemia. Last evaluated: 2023-11-20. Review status: criteria provided, single submitter. Criteria: ACMG Guidelines, 2015. Collection method: clinical testing. Allele origin: unknown.

Ambry Genetics
Classification: Likely benign for Cardiovascular phenotype; Hereditary cancer-predisposing syndrome. Last evaluated: 2023-10-24. Review status: criteria provided, single submitter. Criteria: Ambry Variant Classification Scheme 2023. Collection method: clinical testing. Allele origin: germline.

GeneDx
Classification: Uncertain significance. Last evaluated: 2023-07-11. Review status: criteria provided, single submitter. Criteria: GeneDx Variant Classification Process June 2021. Collection method: clinical testing. Allele origin: germline. Affected: yes.
Comment: Not observed at significant frequency in large population cohorts (gnomAD); In silico analysis supports that this missense variant does not alter protein structure/function; Has not been previously published as pathogenic or benign to our knowledge; This variant is associated with the following publications: (PMID: 25486365)

Blueprint Genetics
Classification: Uncertain significance. Last evaluated: 2022-12-28. Review status: criteria provided, single submitter. Criteria: ACMG Guidelines, 2015. Collection method: clinical testing. Allele origin: germline.

Genome-Nilou Lab
Classification: Uncertain significance for Neurofibromatosis, type 1. Last evaluated: 2022-03-15. Review status: criteria provided, single submitter. Criteria: ACMG Guidelines, 2015. Collection method: clinical testing. Allele origin: germline. Affected: no.

Ambry Genetics
Classification: Uncertain significance for Hereditary cancer-predisposing syndrome. Last evaluated: 2015-07-01. Review status: criteria provided, single submitter. Criteria: Ambry Autosomal Dominant and X-Linked criteria (10/2015). Collection method: clinical testing. Allele origin: germline. Observed: 1 variant allele.
Comment: The p.K2489R variant (also known as c.7466A>G), located in coding exon 51 of the NF1 gene, results from an A to G substitution at nucleotide position 7466. The lysine at codon 2489 is replaced by arginine, an amino acid with highly similar properties. This variant was not reported in population based cohorts in the following databases: Database of Single Nucleotide Polymorphisms (dbSNP), NHLBI Exome Sequencing Project (ESP), and 1000 Genomes Project. In the ESP, this variant was not observed in 6503 samples (13006 alleles) with coverage at this position. To date, this alteration has been detected with an allele frequency of approximately 0.002% (greater than 55000 alleles tested) in our clinical cohort.This amino acid position is well conserved in most vertebrate species, however arginine is the reference amino acid in multiple fishspecies. In addition, this alteration is predicted to be tolerated by in silico analysis.Since supporting evidence is limited at this time, the clinical significance of p.K2489R remains unclear.

NM_001042492.3(NF1):c.7466A>G (p.Lys2489Arg)

Gene: NF1 (neurofibromin 1; plus strand). Cytogenetic location: 17q11.2.
Variant type: single nucleotide variant.
Coding change: c.7466A>G on transcript NM_001042492.3 (MANE Select); coding-DNA position 7466, A replaced by G.
Protein change: p.Lys2489Arg; replaces lysine 2489 with arginine.
Molecular consequence: missense variant.
Genome position (GRCh38, 1-based): chr17:31,352,265, A>G. VCF-style: chr17-31352265-A-G. GRCh37 (hg19) VCF-style: chr17-29679283-A-G.
Other names: c.7403A>G, p.Lys2468Arg (NM_000267.4); short protein forms K2489R, K2468R.
Identifiers: ClinVar variation 219783 (VCV000219783.16), dbSNP rs864622249, ClinGen allele CA350307.